The following is an entry in ClinVar:

ClinVar aggregate classification (germline): Uncertain significance (1 of 4 stars; one submission).

Submission:

GeneDx
Classification: Uncertain significance. Last evaluated: 2025-11-24. Review status: criteria provided, single submitter. Criteria: GeneDx Variant Classification Process June 2021. Collection method: clinical testing. Allele origin: germline. Affected: yes.
Comment: Not observed at significant frequency in large population cohorts (gnomAD); In silico analysis supports that this missense variant has a deleterious effect on protein structure/function; Has not been previously published as pathogenic or benign to our knowledge

NM_181552.4(CUX1):c.2903A>G (p.Glu968Gly)

Gene: CUX1 (cut like homeobox 1; plus strand). Cytogenetic location: 7q22.1.
Variant type: single nucleotide variant.
Coding change: c.2903A>G on transcript NM_181552.4 (MANE Select); coding-DNA position 2903, A replaced by G.
Protein change: p.Glu968Gly; replaces glutamic acid 968 with glycine.
Molecular consequence: missense variant. On other transcripts: intron variant (5).
Genome position (GRCh38, 1-based): chr7:102,202,200, A>G. VCF-style: chr7-102202200-A-G. GRCh37 (hg19) VCF-style: chr7-101845480-A-G.
Other names: c.2936A>G, p.Glu979Gly (NM_001202543.2); c.1255+6597A>G (NM_001913.5); c.1249+6597A>G (NM_181500.4); c.1117+6597A>G (NM_001202545.3); c.1207+6597A>G (NM_001202544.3); c.1138+6597A>G (NM_001202546.3); short protein forms E968G, E979G.
Identifiers: ClinVar variation 3377831 (VCV003377831.2).